The following is an entry in ClinVar:

NM_000214.3(JAG1):c.548T>C (p.Ile183Thr)

Gene: JAG1 (jagged canonical Notch ligand 1; minus strand). Cytogenetic location: 20p12.2.
Variant type: single nucleotide variant.
Coding change: c.548T>C on transcript NM_000214.3 (MANE Select); coding-DNA position 548, T replaced by C.
Protein change: p.Ile183Thr; replaces isoleucine 183 with threonine.
Molecular consequence: missense variant.
Genome position (GRCh38, 1-based): chr20:10,658,614, A>G on the plus strand (T>C on the coding strand, the complement: JAG1 is on the minus strand). VCF-style: chr20-10658614-A-G. GRCh37 (hg19) VCF-style: chr20-10639262-A-G.
Other names: short protein forms I183T.
Identifiers: ClinVar variation 3573325 (VCV003573325.2).
Genomic context (GRCh38, chr20:10,658,614, plus strand): 5'-CTGGGGCGGCAGAACTTATTGCAGCCAAAGCCATAGTAGTAGTCATCACAGGTCACGCGG[A>G]TCTGATACTCAAAGTGGGCAACGCCCGTGTTCTGCTTCAGCGTCTGCCACTGCCGGCTGG-3'
Protein context (NP_000205.1, residues 173-193): NTGVAHFEYQ[Ile183Thr]RVTCDDYYYG

Conditions:
Arteriohepatic dysplasia. Also called: Alagille Syndrome. Identifiers: Orphanet 52, MedGen C0085280, MeSH D016738, MONDO:0007318.

Submission:

Gilbert/Spinner Lab, Children's Hospital of Philadelphia
No classification provided (evidence only). Condition: Alagille syndrome. Review status: no classification provided. Collection method: research. Allele origin: not applicable. Functional consequence: functionally_abnormal.
ClinVar note: "not provided" was previously submitted as the classification for the variant. However, the classification appeared to be based only on an observation of functional data so it was converted to no classification on 2025-07-30.